The following is an entry in ClinVar:

NM_001903.5(CTNNA1):c.1063-4C>T

Gene: CTNNA1 (catenin alpha 1; plus strand). Cytogenetic location: 5q31.2.
Variant type: single nucleotide variant.
Coding change: c.1063-4C>T on transcript NM_001903.5 (MANE Select); 4 bases into the intron before coding-DNA position 1063, C replaced by T.
Molecular consequence: intron variant.
Genome position (GRCh38, 1-based): chr5:138,886,208, C>T. VCF-style: chr5-138886208-C-T. GRCh37 (hg19) VCF-style: chr5-138221897-C-T.
Other names: c.1063-4C>T (NM_001323982.2, NM_001323984.2, NM_001290307.3 and 3 more transcripts); c.694-4C>T (NM_001290310.3); c.754-4C>T (NM_001290309.3); c.-48-4C>T (NM_001323996.1, NM_001323993.1, NM_001324005.1 and 18 more transcripts); c.-445-4C>T (NM_001324007.1, NM_001324009.1, NM_001324006.1 and 1 more transcripts); c.-320-4C>T (NM_001324013.1); c.-58+10611C>T (NM_001324012.1); c.-61+10611C>T (NM_001324010.1).
Identifiers: ClinVar variation 2788494 (VCV002788494.4), dbSNP rs1275929547, ClinGen allele CA1586048437.

ClinVar aggregate classification (germline): Likely benign. Review status: criteria provided, multiple submitters, no conflicts (2 of 4 stars). 2 submissions from 2 submitters: Likely benign (2). Last evaluated 2024-10-10.

Conditions:
Hereditary diffuse gastric adenocarcinoma (HDGC). Also called: DIFFUSE GASTRIC AND LOBULAR BREAST CANCER SYNDROME. Identifiers: Orphanet 26106, MedGen C1708349, MONDO:0007648, OMIM 137215.

Allele frequency attached by ClinVar (database versions not stated): TOPMed 0.00001.

Submissions (2):

Myriad Genetics, Inc.
Classification: Likely benign for Hereditary diffuse gastric adenocarcinoma. Last evaluated: 2024-10-10. Review status: criteria provided, single submitter. Criteria: Myriad Autosomal Dominant, Autosomal Recessive and X-Linked Classification Criteria (2023). Collection method: clinical testing. Allele origin: unknown.
Comment: This variant is considered likely benign. This variant is intronic and is not expected to impact mRNA splicing.

Labcorp Genetics (formerly Invitae), Labcorp
Classification: Likely benign. Last evaluated: 2024-09-03. Review status: criteria provided, single submitter. Criteria: Invitae Variant Classification Sherloc (09022015). Collection method: clinical testing. Allele origin: germline.